The following is an entry in ClinVar:

NM_000693.4(ALDH1A3):c.211G>A (p.Val71Met)

Gene: ALDH1A3 (aldehyde dehydrogenase 1 family member A3; plus strand). Cytogenetic location: 15q26.3.
Variant type: single nucleotide variant.
Coding change: c.211G>A on transcript NM_000693.4 (MANE Select); coding-DNA position 211, G replaced by A.
Protein change: p.Val71Met; replaces valine 71 with methionine.
Molecular consequence: missense variant.
Genome position (GRCh38, 1-based): chr15:100,887,578, G>A. VCF-style: chr15-100887578-G-A. GRCh37 (hg19) VCF-style: chr15-101427783-G-A.
Other names: c.211G>A, p.Val71Met (NM_001293815.2); short protein forms V71M.
Identifiers: ClinVar variation 91908 (VCV000091908.3), dbSNP rs386834230, ClinGen allele CA232584.
Genomic context (GRCh38, chr15:100,887,578, plus strand): 5'-AACTGCAGTCACGTCAAAAGATGACAGTCTCTCTCTGTTGTTCTGGTCGCTCAGCCCGAC[G>A]TGGACAAGGCTGTGGAGGCTGCACAGGTTGCCTTCCAGAGGGGCTCGCCATGGCGCCGGC-3'
Protein context (NP_000684.2, residues 61-81): CEVEEGDKPD[Val71Met]DKAVEAAQVA

ClinVar aggregate classification (germline): Pathogenic (0 of 4 stars; one submission).

Allele frequency attached by ClinVar (database versions not stated): gnomAD exomes below 0.00001; TOPMed below 0.00001; gnomAD 0.00001.
gnomAD v4.1: 7 of 1,595,026 alleles (0.00044%); highest among the groups gnomAD compares: Non-Finnish European, 0.0006%; no homozygotes.

Submission:

The Genetics Institute, Rambam Health Care Campus
Classification: Pathogenic. Review status: no assertion criteria provided. Collection method: not provided. Allele origin: inherited.
Comment: This missense mutation was identified in nine individuals affected with isolated autosomal recessive microphthalmia.
ClinVar note: Converted during submission from pathogenic to Pathogenic.